The following is an entry in ClinVar:

ClinVar aggregate classification (germline): Uncertain significance (1 of 4 stars; one submission).

Conditions:
Emery-Dreifuss muscular dystrophy 4, autosomal dominant (EDMD4). Also called: EMERY-DREIFUSS MUSCULAR DYSTROPHY 4 WITH VARIABLE FEATURES. Identifiers: Orphanet 261, MedGen C2751807, MONDO:0013071, OMIM 612998.
Autosomal recessive ataxia, Beauce type. Also called: SYNE1-Related Autosomal Recessive Cerebellar Ataxia; Spinocerebellar ataxia, autosomal recessive 8; ATAXIA, RECESSIVE, OF BEAUCE; SYNE1 Deficiency. Identifiers: Orphanet 88644, MedGen C1853116, MONDO:0012549, OMIM 610743.

Allele frequency attached by ClinVar (database versions not stated): gnomAD exomes 0.00001 and 0.00002.
gnomAD v4.1: 6 of 1,614,126 alleles (0.00037%); highest among the groups gnomAD compares: Admixed American, 0.0083%; no homozygotes.

Submission:

Labcorp Genetics (formerly Invitae), Labcorp
Classification: Uncertain significance for Emery-Dreifuss muscular dystrophy 4, autosomal dominant; Autosomal recessive ataxia, Beauce type. Last evaluated: 2024-11-05. Review status: criteria provided, single submitter. Criteria: Invitae Variant Classification Sherloc (09022015). Collection method: clinical testing. Allele origin: germline.
Comment: This sequence change replaces glutamic acid, which is acidic and polar, with lysine, which is basic and polar, at codon 1965 of the SYNE1 protein (p.Glu1965Lys). This variant is present in population databases (no rsID available, gnomAD 0.01%). This variant has not been reported in the literature in individuals affected with SYNE1-related conditions. ClinVar contains an entry for this variant (Variation ID: 1378837). An algorithm developed to predict the effect of missense changes on protein structure and function (PolyPhen-2) suggests that this variant is likely to be tolerated. In summary, the available evidence is currently insufficient to determine the role of this variant in disease. Therefore, it has been classified as a Variant of Uncertain Significance.

NM_182961.4(SYNE1):c.5872G>A (p.Glu1958Lys)

Gene: SYNE1 (spectrin repeat containing nuclear envelope protein 1; minus strand). Cytogenetic location: 6q25.2.
Variant type: single nucleotide variant.
Coding change: c.5872G>A on transcript NM_182961.4 (MANE Select); coding-DNA position 5872, G replaced by A.
Protein change: p.Glu1958Lys; replaces glutamic acid 1958 with lysine.
Molecular consequence: missense variant.
Genome position (GRCh38, 1-based): chr6:152,416,565, C>T on the plus strand (G>A on the coding strand, the complement: SYNE1 is on the minus strand). VCF-style: chr6-152416565-C-T. GRCh37 (hg19) VCF-style: chr6-152737700-C-T.
Other names: c.5893G>A, p.Glu1965Lys (NM_033071.5); short protein forms E1958K, E1965K.
Identifiers: ClinVar variation 1378837 (VCV001378837.8), dbSNP rs1563856215, ClinGen allele CA366131843.